The following is an entry in ClinVar:

ClinVar aggregate classification (germline): Uncertain significance (1 of 4 stars; one submission).

Allele frequency attached by ClinVar (database versions not stated): gnomAD exomes below 0.00001; TOPMed below 0.00001.
gnomAD v4.1: 6 of 1,575,386 alleles (0.00038%); highest among the groups gnomAD compares: Non-Finnish European, 0.00052%; no homozygotes.

Submission:

Labcorp Genetics (formerly Invitae), Labcorp
Classification: Uncertain significance. Last evaluated: 2024-02-24. Review status: criteria provided, single submitter. Criteria: Invitae Variant Classification Sherloc (09022015). Collection method: clinical testing. Allele origin: germline.
Comment: This sequence change replaces threonine, which is neutral and polar, with serine, which is neutral and polar, at codon 1512 of the MYO18B protein (p.Thr1512Ser). This variant is not present in population databases (gnomAD no frequency). This variant has not been reported in the literature in individuals affected with MYO18B-related conditions. ClinVar contains an entry for this variant (Variation ID: 1466470). Algorithms developed to predict the effect of missense changes on protein structure and function output the following: SIFT: "Not Available"; PolyPhen-2: "Benign"; Align-GVGD: "Not Available". The serine amino acid residue is found in multiple mammalian species, which suggests that this missense change does not adversely affect protein function. In summary, the available evidence is currently insufficient to determine the role of this variant in disease. Therefore, it has been classified as a Variant of Uncertain Significance.

NM_032608.7(MYO18B):c.4535C>G (p.Thr1512Ser)

Genes: MYO18B (myosin XVIIIB; plus strand), MYO18B-AS1 (MYO18B antisense RNA 1; minus strand). Cytogenetic location: 22q12.1.
Variant type: single nucleotide variant.
Coding change: c.4535C>G on transcript NM_032608.7 (MANE Select); coding-DNA position 4535, C replaced by G.
Protein change: p.Thr1512Ser; replaces threonine 1512 with serine.
Molecular consequence: missense variant.
Genome position (GRCh38, 1-based): chr22:25,891,404, C>G. VCF-style: chr22-25891404-C-G. GRCh37 (hg19) VCF-style: chr22-26287371-C-G.
Other names: c.4538C>G, p.Thr1513Ser (NM_001318245.2); short protein forms T1512S, T1513S.
Identifiers: ClinVar variation 1466470 (VCV001466470.6), dbSNP rs2091658150, ClinGen allele CA411009777.
Genomic context (GRCh38, chr22:25,891,404, plus strand): 5'-ATAAACAGTTGGAAGAAGCCCAGCAGAAAATTCAGTTGAATGACTTGGAAAGGAATCCCA[C>G]TGGAGGAGGTGAGCAGCCTGGGACCCTTGGGGCTGGAAGGTGATGGACAAAGTTGTCTTT-3'
Protein context (NP_115997.5, residues 1502-1522): IQLNDLERNP[Thr1512Ser]GGADEWQMRF